The following is an entry in ClinVar:

ClinVar aggregate classification (germline): Likely benign (1 of 4 stars; one submission).

Allele frequency attached by ClinVar (database versions not stated): ExAC 0.00013; gnomAD 0.00013; ESP Exome Variant Server 0.00016; TOPMed 0.00019; gnomAD exomes 0.00024.
gnomAD v4.1: 365 of 1,613,000 alleles (0.023%); highest among the groups gnomAD compares: Non-Finnish European, 0.029%; no homozygotes.

Submission:

CeGaT Center for Human Genetics Tuebingen
Classification: Likely benign. Last evaluated: 2026-07-01. Review status: criteria provided, single submitter. Criteria: CeGaT Center For Human Genetics Tuebingen Variant Classification Criteria Version 2. Collection method: clinical testing. Allele origin: germline. Affected: yes. Observed: 3 variant alleles.
Comment: TANC2: BP4, BP7

NM_001394998.1(TANC2):c.564A>G (p.Glu188=)

Gene: TANC2 (tetratricopeptide repeat, ankyrin repeat and coiled-coil containing 2; plus strand). Cytogenetic location: 17q23.3.
Variant type: single nucleotide variant.
Coding change: c.564A>G on transcript NM_001394998.1 (MANE Select); coding-DNA position 564, A replaced by G.
Protein change: p.Glu188=; no amino-acid change (glutamic acid 188 retained).
Molecular consequence: synonymous variant.
Genome position (GRCh38, 1-based): chr17:63,194,121, A>G. VCF-style: chr17-63194121-A-G. GRCh37 (hg19) VCF-style: chr17-61271482-A-G.
Other names: c.342A>G, p.Glu114= (NM_001411076.1, NM_025185.4).
Identifiers: ClinVar variation 2570997 (VCV002570997.27), dbSNP rs371482015, ClinGen allele CA8697372.